The following is an entry in ClinVar:

ClinVar aggregate classification (germline): Uncertain significance (1 of 4 stars; one submission).

gnomAD v4.1: 1 of 1,613,066 alleles (0.000062%); highest among the groups gnomAD compares: South Asian, 0.0011%; no homozygotes.

Submission:

Ambry Genetics
Classification: Uncertain significance. Last evaluated: 2025-10-07. Review status: criteria provided, single submitter. Criteria: Ambry Variant Classification Scheme 2023. Collection method: clinical testing. Allele origin: germline.
Comment: The p.D1199N variant (also known as c.3595G>A), located in coding exon 15 of the WNK2 gene, results from a G to A substitution at nucleotide position 3595. The aspartic acid at codon 1199 is replaced by asparagine, an amino acid with highly similar properties. This amino acid position is conserved. In addition, this alteration is predicted to be tolerated by in silico analysis. Based on the available evidence, the clinical significance of this variant remains unclear.

NM_006648.4(WNK2):c.3595G>A (p.Asp1199Asn)

Gene: WNK2 (WNK lysine deficient protein kinase 2; plus strand). Cytogenetic location: 9q22.31.
Variant type: single nucleotide variant.
Coding change: c.3595G>A on transcript NM_006648.4 (MANE Select); coding-DNA position 3595, G replaced by A.
Protein change: p.Asp1199Asn; replaces aspartic acid 1199 with asparagine.
Molecular consequence: missense variant.
Genome position (GRCh38, 1-based): chr9:93,263,932, G>A. VCF-style: chr9-93263932-G-A. GRCh37 (hg19) VCF-style: chr9-96026214-G-A.
Other names: c.3595G>A, p.Asp1199Asn (NM_001282394.3); short protein forms D1199N.
Identifiers: ClinVar variation 4605230 (VCV004605230.1).